The following is an entry in ClinVar:

ClinVar aggregate classification (germline): Uncertain significance (1 of 4 stars; one submission).

Submission:

GeneDx
Classification: Uncertain significance. Last evaluated: 2025-06-17. Review status: criteria provided, single submitter. Criteria: GeneDx Variant Classification Process June 2021. Collection method: clinical testing. Allele origin: germline. Affected: yes.
Comment: Not observed at significant frequency in large population cohorts (gnomAD); In silico analysis suggests that this missense variant does not alter protein structure/function; Has not been previously published as pathogenic or benign to our knowledge

NM_001330360.2(POLA1):c.1150G>A (p.Val384Ile)

Gene: POLA1 (DNA polymerase alpha 1, catalytic subunit; plus strand). Cytogenetic location: Xp22.11.
Variant type: single nucleotide variant.
Coding change: c.1150G>A on transcript NM_001330360.2 (MANE Select); coding-DNA position 1150, G replaced by A.
Protein change: p.Val384Ile; replaces valine 384 with isoleucine.
Molecular consequence: missense variant. On other transcripts: non-coding transcript variant (2).
Genome position (GRCh38, 1-based): chrX:24,723,217, G>A. VCF-style: chrX-24723217-G-A. GRCh37 (hg19) VCF-style: chrX-24741334-G-A.
Other names: c.1150G>A, p.Val384Ile (NM_001378303.1, NM_001440806.1); c.1132G>A, p.Val378Ile (NM_016937.4); short protein forms V378I, V384I.
Identifiers: ClinVar variation 4538744 (VCV004538744.1).